The following is an entry in ClinVar:

ClinVar aggregate classification (germline): Uncertain significance (1 of 4 stars; one submission).

Conditions:
Severe combined immunodeficiency due to DNA-PKcs deficiency. Also called: IMMUNODEFICIENCY 26 WITH NEUROLOGIC ABNORMALITIES; Immunodeficiency 26 with or without neurologic abnormalities. Identifiers: Orphanet 317425, MedGen C4014833, MONDO:0014423, OMIM 615966.

Allele frequency attached by ClinVar (database versions not stated): gnomAD exomes 0.00003 and 0.00008; ExAC 0.00007; 1000 Genomes Project 30x 0.00016; gnomAD 0.00017 and 0.00018; 1000 Genomes Project 0.00020; TOPMed 0.00025; ESP Exome Variant Server 0.00041.
gnomAD v4.1: 64 of 1,613,910 alleles (0.004%); highest among the groups gnomAD compares: African/African-American, 0.069%; no homozygotes.

Submission:

Labcorp Genetics (formerly Invitae), Labcorp
Classification: Uncertain significance for Severe combined immunodeficiency due to DNA-PKcs deficiency. Last evaluated: 2022-09-01. Review status: criteria provided, single submitter. Criteria: Invitae Variant Classification Sherloc (09022015). Collection method: clinical testing. Allele origin: germline.
Comment: This sequence change replaces cysteine, which is neutral and slightly polar, with tyrosine, which is neutral and polar, at codon 3234 of the PRKDC protein (p.Cys3234Tyr). This variant is present in population databases (rs200865966, gnomAD 0.09%). This variant has not been reported in the literature in individuals affected with PRKDC-related conditions. ClinVar contains an entry for this variant (Variation ID: 837400). In summary, the available evidence is currently insufficient to determine the role of this variant in disease. Therefore, it has been classified as a Variant of Uncertain Significance.

NM_006904.7(PRKDC):c.9701G>A (p.Cys3234Tyr)

Gene: PRKDC (protein kinase, DNA-activated, catalytic subunit; minus strand). Cytogenetic location: 8q11.21.
Variant type: single nucleotide variant.
Coding change: c.9701G>A on transcript NM_006904.7 (MANE Select); coding-DNA position 9701, G replaced by A.
Protein change: p.Cys3234Tyr; replaces cysteine 3234 with tyrosine.
Molecular consequence: missense variant.
Genome position (GRCh38, 1-based): chr8:47,807,183, C>T on the plus strand (G>A on the coding strand, the complement: PRKDC is on the minus strand). VCF-style: chr8-47807183-C-T. GRCh37 (hg19) VCF-style: chr8-48719744-C-T.
Other names: c.9701G>A, p.Cys3234Tyr (NM_001081640.2); short protein forms C3234Y.
Identifiers: ClinVar variation 837400 (VCV000837400.4), dbSNP rs200865966, ClinGen allele CA4739508.